The following is an entry in ClinVar:

NM_006295.3(VARS1):c.3591T>G (p.Pro1197=)

Gene: VARS1 (valyl-tRNA synthetase 1; minus strand). Cytogenetic location: 6p21.33.
Variant type: single nucleotide variant.
Coding change: c.3591T>G on transcript NM_006295.3 (MANE Select); coding-DNA position 3591, T replaced by G.
Protein change: p.Pro1197=; no amino-acid change (proline 1197 retained).
Molecular consequence: synonymous variant.
Genome position (GRCh38, 1-based): chr6:31,779,102, A>C on the plus strand (T>G on the coding strand, the complement: VARS1 is on the minus strand). VCF-style: chr6-31779102-A-C. GRCh37 (hg19) VCF-style: chr6-31746879-A-C.
Identifiers: ClinVar variation 2656418 (VCV002656418.24), dbSNP rs2537583576, ClinGen allele CA449803122.

ClinVar aggregate classification (germline): Likely benign (1 of 4 stars; one submission).

Allele frequency attached by ClinVar (database versions not stated): gnomAD exomes 0.00001.
gnomAD v4.1: 10 of 1,610,340 alleles (0.00062%); highest among the groups gnomAD compares: Non-Finnish European, 0.00085%; no homozygotes.

Submission:

CeGaT Center for Human Genetics Tuebingen
Classification: Likely benign. Last evaluated: 2022-05-01. Review status: criteria provided, single submitter. Criteria: CeGaT Center For Human Genetics Tuebingen Variant Classification Criteria Version 2. Collection method: clinical testing. Allele origin: germline. Affected: yes. Observed: 1 variant allele.
Comment: VARS1: PM2:Supporting, BP4, BP7